The following is an entry in ClinVar:

NM_001005273.3(CHD3):c.2065G>A (p.Gly689Arg)

Gene: CHD3 (chromodomain helicase DNA binding protein 3; plus strand). Cytogenetic location: 17p13.1.
Variant type: single nucleotide variant.
Coding change: c.2065G>A on transcript NM_001005273.3 (MANE Select); coding-DNA position 2065, G replaced by A.
Protein change: p.Gly689Arg; replaces glycine 689 with arginine.
Molecular consequence: missense variant.
Genome position (GRCh38, 1-based): chr17:7,898,509, G>A. VCF-style: chr17-7898509-G-A. GRCh37 (hg19) VCF-style: chr17-7801827-G-A.
Other names: c.2242G>A, p.Gly748Arg (NM_001005271.3, NM_001437504.1); c.2230G>A, p.Gly744Arg (NM_001437507.1, NM_001437508.1, NM_001437509.1); c.2065G>A, p.Gly689Arg (NM_005852.4); short protein forms G689R, G744R, G748R.
Identifiers: ClinVar variation 4686320 (VCV004686320.2).
Genomic context (GRCh38, chr17:7,898,509, plus strand): 5'-TAGGACTCCCAAGGATGAGGCCTCATTCAGACCCACTCTTTTTCCAGAGAACTAATTATG[G>A]GGGAAGACCCTGCCCAGCCCCGCAAGTATAAGAAGAAGAAGAAGGAGCTACAGGGTGATG-3'
Protein context (NP_001005273.1, residues 679-699): SYWRHRELIM[Gly689Arg]EDPAQPRKYK

ClinVar aggregate classification (germline): Uncertain significance. Review status: criteria provided, multiple submitters, no conflicts (2 of 4 stars). 2 submissions from 2 submitters: Uncertain significance (2). Last evaluated 2025-12-31.

gnomAD v4.1: 2 of 1,613,650 alleles (0.00012%); highest among the groups gnomAD compares: African/African-American, 0.0013%; no homozygotes.

Submissions (2):

Women's Health and Genetics/Laboratory Corporation of America, LabCorp
Classification: Uncertain significance. Last evaluated: 2025-12-31. Review status: criteria provided, single submitter. Criteria: LabCorp Variant Classification Summary - May 2015. Collection method: clinical testing. Allele origin: germline.
Comment: Variant summary: CHD3 c.2065G>A (p.Gly689Arg) results in a non-conservative amino acid change in the encoded protein sequence. Algorithms developed to predict the effect of missense changes on protein structure and function all suggest that this variant is likely to be disruptive. The variant was absent in 251076 control chromosomes. The available data on variant occurrences in the general population are insufficient to allow any conclusion about variant significance. To our knowledge, no occurrence of c.2065G>A in individuals affected with CHD3-related conditions and no experimental evidence demonstrating its impact on protein function have been reported. No submitters have cited clinical-significance assessments for this variant to ClinVar. Based on the evidence outlined above, the variant was classified as uncertain significance.

GeneDx
Classification: Uncertain significance. Last evaluated: 2025-07-11. Review status: criteria provided, single submitter. Criteria: GeneDx Variant Classification Process June 2021. Collection method: clinical testing. Allele origin: germline. Affected: yes.
Comment: Not observed at significant frequency in large population cohorts (gnomAD); In silico analysis supports that this missense variant has a deleterious effect on protein structure/function; Has not been previously published as pathogenic or benign to our knowledge